The following is an entry in ClinVar:

ClinVar aggregate classification (germline): Conflicting classifications of pathogenicity. Review status: criteria provided, conflicting classifications (1 of 4 stars). 2 submissions from 2 submitters: Uncertain significance (1); Likely benign (1). Last evaluated 2023-08-30.

Conditions:
Inborn genetic diseases. Identifiers: MedGen C0950123, MeSH D030342.
Amyotrophic lateral sclerosis type 1 (ALS1). Also called: AMYOTROPHIC LATERAL SCLEROSIS 1, FAMILIAL. Identifiers: Orphanet 803, MedGen C1862939, MONDO:0007103, OMIM 105400.
Perry syndrome. Also called: PARKINSONISM WITH ALVEOLAR HYPOVENTILATION AND MENTAL DEPRESSION. Identifiers: Orphanet 178509, MedGen C1868594, MONDO:0008201, OMIM 168605.
Neuronopathy, distal hereditary motor, type 7B. Also called: HMN VIIB; Distal Hereditary Motor Neuronopathy Type 7B (dHMN7B); LOWER MOTOR NEURON DISEASE, DYNACTIN TYPE; NEURONOPATHY, DISTAL HEREDITARY MOTOR, AUTOSOMAL DOMINANT 14; NEURONOPATHY, DISTAL HEREDITARY MOTOR, HARDING TYPE VIIB; NEUROPATHY, DISTAL HEREDITARY MOTOR, HARDING TYPE VIIB. Identifiers: Orphanet 139589, MedGen C1843315, MONDO:0011879, OMIM 607641.

Allele frequency attached by ClinVar (database versions not stated): gnomAD exomes 0.00001 and 0.00003; TOPMed 0.00001; ExAC 0.00003.
gnomAD v4.1: 7 of 1,584,538 alleles (0.00044%); highest among the groups gnomAD compares: Admixed American, 0.013%; no homozygotes.

Submissions (2):

Labcorp Genetics (formerly Invitae), Labcorp
Classification: Uncertain significance for Amyotrophic lateral sclerosis type 1; Neuronopathy, distal hereditary motor, type 7B; Perry syndrome. Last evaluated: 2023-08-30. Review status: criteria provided, single submitter. Criteria: Invitae Variant Classification Sherloc (09022015). Collection method: clinical testing. Allele origin: germline.
Comment: This sequence change replaces glycine, which is neutral and non-polar, with arginine, which is basic and polar, at codon 205 of the DCTN1 protein (p.Gly205Arg). This variant is present in population databases (rs770153273, gnomAD 0.02%). In summary, the available evidence is currently insufficient to determine the role of this variant in disease. Therefore, it has been classified as a Variant of Uncertain Significance. Advanced modeling of protein sequence and biophysical properties (such as structural, functional, and spatial information, amino acid conservation, physicochemical variation, residue mobility, and thermodynamic stability) performed at Invitae indicates that this missense variant is not expected to disrupt DCTN1 protein function. ClinVar contains an entry for this variant (Variation ID: 1480845). This variant has not been reported in the literature in individuals affected with DCTN1-related conditions.

Ambry Genetics
Classification: Likely benign for Inborn genetic diseases. Last evaluated: 2021-05-05. Review status: criteria provided, single submitter. Criteria: Ambry Variant Classification Scheme 2023. Collection method: clinical testing. Allele origin: germline.

NM_004082.5(DCTN1):c.613G>C (p.Gly205Arg)

Gene: DCTN1 (dynactin subunit 1; minus strand). Cytogenetic location: 2p13.1.
Variant type: single nucleotide variant.
Coding change: c.613G>C on transcript NM_004082.5 (MANE Select); coding-DNA position 613, G replaced by C.
Protein change: p.Gly205Arg; replaces glycine 205 with arginine.
Molecular consequence: missense variant. On other transcripts: non-coding transcript variant (1).
Genome position (GRCh38, 1-based): chr2:74,371,569, C>G on the plus strand (G>C on the coding strand, the complement: DCTN1 is on the minus strand). VCF-style: chr2-74371569-C-G. GRCh37 (hg19) VCF-style: chr2-74598696-C-G.
Other names: c.553G>C, p.Gly185Arg (NM_001135040.3); c.211G>C, p.Gly71Arg (NM_001135041.3, NM_023019.4); c.502G>C, p.Gly168Arg (NM_001190836.2); c.592G>C, p.Gly198Arg (NM_001190837.2); c.562G>C, p.Gly188Arg (NM_001378991.1); c.544G>C, p.Gly182Arg (NM_001378992.1); short protein forms G185R, G198R, G188R, G182R, G205R, G71R, G168R.
Identifiers: ClinVar variation 1480845 (VCV001480845.10), dbSNP rs770153273, ClinGen allele CA1722369.
Genomic context (GRCh38, chr2:74,371,569, plus strand): 5'-TCTCCTTTACCCCTACCCCAGGCCTTACCTTGGATGGGGAAGGAAGCGGGGGGACTGCTC[C>G]AGGAGAGGTGAGGACCGGCGTGGGGATGATGGGTGCTGCCAGCGGAGTCTGAGCCGGGGT-3'
Protein context (NP_004073.2, residues 195-215): IIPTPVLTSP[Gly205Arg]AVPPLPSPSK